The following is an entry in ClinVar:

NM_001271696.3(ABCB7):c.54C>A (p.Phe18Leu)

Genes: ABCB7 (ATP binding cassette subfamily B member 7; minus strand), LOC130068449 (ATAC-STARR-seq lymphoblastoid active region 29770; plus strand). Cytogenetic location: Xq13.3.
Variant type: single nucleotide variant.
Coding change: c.54C>A on transcript NM_001271696.3 (MANE Select); coding-DNA position 54, C replaced by A.
Protein change: p.Phe18Leu; replaces phenylalanine 18 with leucine.
Molecular consequence: missense variant.
Genome position (GRCh38, 1-based): chrX:75,156,219, G>T on the plus strand (C>A on the coding strand, the complement: ABCB7 is on the minus strand). VCF-style: chrX-75156219-G-T. GRCh37 (hg19) VCF-style: chrX-74376054-G-T.
Other names: c.54C>A, p.Phe18Leu (NM_001271697.3, NM_001271698.3, NM_001271699.3 and 1 more transcripts); short protein forms F18L.
Identifiers: ClinVar variation 4107214 (VCV004107214.2).
Genomic context (GRCh38, chrX:75,156,219, plus strand): 5'-ACCTGAGCCGCTAACAGAGACTAAAGGCCGGATCAGAATCGCGGAGTGCCGGCGCTTTTC[G>T]AAAGCAGCCGCCGCGGCCGCCCAGCGCCAAGAATGCATCGCGAGCAGCGCCATCTTGAGC-3'
Protein context (NP_001258625.1, residues 8-28): SWRWAAAAAA[Phe18Leu]EKRRHSAILI

ClinVar aggregate classification (germline): Conflicting classifications of pathogenicity. Review status: criteria provided, conflicting classifications (1 of 4 stars). 2 submissions from 2 submitters: Uncertain significance (1); Likely benign (1). Last evaluated 2026-07-01.

Conditions:
Inborn genetic diseases. Identifiers: MedGen C0950123, MeSH D030342.

gnomAD v4.1: 7 of 1,204,900 alleles (0.00058%); highest among the groups gnomAD compares: Admixed American, 0.011%; no homozygotes.

Submissions (2):

CeGaT Center for Human Genetics Tuebingen
Classification: Likely benign. Last evaluated: 2026-07-01. Review status: criteria provided, single submitter. Criteria: CeGaT Center For Human Genetics Tuebingen Variant Classification Criteria Version 2. Collection method: clinical testing. Allele origin: germline. Affected: yes. Observed: 1 variant allele.
Comment: ABCB7: BS2

Ambry Genetics
Classification: Uncertain significance for Inborn genetic diseases. Last evaluated: 2025-08-26. Review status: criteria provided, single submitter. Criteria: Ambry Variant Classification Scheme 2023. Collection method: clinical testing. Allele origin: germline.